The following is an entry in ClinVar:

NM_018417.6(ADCY10):c.1668C>T (p.Thr556=)

Gene: ADCY10 (adenylate cyclase 10; minus strand). Cytogenetic location: 1q24.2.
Variant type: single nucleotide variant.
Coding change: c.1668C>T on transcript NM_018417.6 (MANE Select); coding-DNA position 1668, C replaced by T.
Protein change: p.Thr556=; no amino-acid change (threonine 556 retained).
Molecular consequence: synonymous variant.
Genome position (GRCh38, 1-based): chr1:167,861,012, G>A on the plus strand (C>T on the coding strand, the complement: ADCY10 is on the minus strand). VCF-style: chr1-167861012-G-A. GRCh37 (hg19) VCF-style: chr1-167830250-G-A.
Other names: c.1209C>T, p.Thr403= (NM_001167749.3); c.1392C>T, p.Thr464= (NM_001297772.2); c.1668C>T (NM_018417.5).
Identifiers: ClinVar variation 1167895 (VCV001167895.11), dbSNP rs200361556, ClinGen allele CA1227866.

ClinVar aggregate classification (germline): Benign/Likely benign. Review status: criteria provided, multiple submitters, no conflicts (2 of 4 stars). 4 submissions from 4 submitters: Benign (1); Likely benign (2). 1 of the submissions does not count toward it. Last evaluated 2026-07-01.

Conditions:
Familial idiopathic hypercalciuria (HCA2). Also called: Hypercalciuria, absorptive, susceptibility to; Hypercalciuria, absorptive, 2. Identifiers: MedGen C0342639, MONDO:0007748, OMIM 143870.
ADCY10-related disorder. Also called: ADCY10-related condition.

Allele frequency attached by ClinVar (database versions not stated): gnomAD 0.00002 and 0.00003; TOPMed 0.00015; gnomAD exomes 0.00018 and 0.00040; 1000 Genomes Project 0.00020; 1000 Genomes Project 30x 0.00031; ExAC 0.00035.

Submissions (4):

CeGaT Center for Human Genetics Tuebingen
Classification: Likely benign. Last evaluated: 2026-07-01. Review status: criteria provided, single submitter. Criteria: CeGaT Center For Human Genetics Tuebingen Variant Classification Criteria Version 2. Collection method: clinical testing. Allele origin: germline. Affected: yes. Observed: 2 variant alleles.
Comment: ADCY10: BP4, BP7, BS1

Labcorp Genetics (formerly Invitae), Labcorp
Classification: Benign. Last evaluated: 2026-01-05. Review status: criteria provided, single submitter. Criteria: Invitae Variant Classification Sherloc (09022015). Collection method: clinical testing. Allele origin: germline.

Fulgent Genetics
Classification: Likely benign for Familial idiopathic hypercalciuria. Last evaluated: 2022-01-07. Review status: criteria provided, single submitter. Criteria: ACMG Guidelines, 2015. Collection method: clinical testing. Allele origin: unknown.

PreventionGenetics, part of Exact Sciences
Classification: Likely benign for ADCY10-related condition. Last evaluated: 2020-02-19. Review status: no assertion criteria provided. Collection method: clinical testing. Allele origin: germline. Not counted in ClinVar's aggregate classification.
Comment: This variant is classified as likely benign based on ACMG/AMP sequence variant interpretation guidelines (Richards et al. 2015 PMID: 25741868, with internal and published modifications).